The following is an entry in ClinVar:

ClinVar aggregate classification (germline): Uncertain significance. Review status: criteria provided, multiple submitters, no conflicts (2 of 4 stars). 3 submissions from 3 submitters: Uncertain significance (3). Last evaluated 2025-10-23.

Conditions:
Hereditary cancer-predisposing syndrome. Also called: Hereditary neoplastic syndrome; Neoplastic Syndromes, Hereditary; Hereditary Cancer Syndrome; Tumor predisposition. Identifiers: Orphanet 140162, MedGen C0027672, MeSH D009386, MONDO:0015356.

gnomAD v4.1: 31 of 1,614,140 alleles (0.0019%); highest among the groups gnomAD compares: Non-Finnish European, 0.0025%; no homozygotes.

Submissions (3):

Labcorp Genetics (formerly Invitae), Labcorp
Classification: Uncertain significance. Last evaluated: 2025-10-23. Review status: criteria provided, single submitter. Criteria: Invitae Variant Classification Sherloc (09022015). Collection method: clinical testing. Allele origin: germline.
Comment: This sequence change replaces asparagine, which is neutral and polar, with isoleucine, which is neutral and non-polar, at codon 853 of the CTNNA1 protein (p.Asn853Ile). This variant is present in population databases (rs199994641, gnomAD 0.0009%). This variant has not been reported in the literature in individuals affected with CTNNA1-related conditions. ClinVar contains an entry for this variant (Variation ID: 658422). An algorithm developed to predict the effect of missense changes on protein structure and function (PolyPhen-2) suggests that this variant is likely to be disruptive. In summary, the available evidence is currently insufficient to determine the role of this variant in disease. Therefore, it has been classified as a Variant of Uncertain Significance.

Ambry Genetics
Classification: Uncertain significance for Hereditary cancer-predisposing syndrome. Last evaluated: 2024-06-17. Review status: criteria provided, single submitter. Criteria: Ambry Variant Classification Scheme 2023. Collection method: clinical testing. Allele origin: germline.
Comment: The p.N853I variant (also known as c.2558A>T), located in coding exon 17 of the CTNNA1 gene, results from an A to T substitution at nucleotide position 2558. The asparagine at codon 853 is replaced by isoleucine, an amino acid with dissimilar properties. This amino acid position is highly conserved in available vertebrate species. In addition, the in silico prediction for this alteration is inconclusive. The evidence for this gene-disease relationship is limited; therefore, the clinical significance of this alteration is unclear.

GeneDx
Classification: Uncertain significance. Last evaluated: 2023-03-20. Review status: criteria provided, single submitter. Criteria: GeneDx Variant Classification Process June 2021. Collection method: clinical testing. Allele origin: germline. Affected: yes.
Comment: Not observed at significant frequency in large population cohorts (gnomAD); In silico analysis supports that this missense variant has a deleterious effect on protein structure/function; Observed in individuals undergoing multigene panel testing at a commercial laboratory (Clark et al., 2020); This variant is associated with the following publications: (PMID: 32051609, 28404951)

NM_001903.5(CTNNA1):c.2558A>T (p.Asn853Ile)

Gene: CTNNA1 (catenin alpha 1; plus strand). Cytogenetic location: 5q31.2.
Variant type: single nucleotide variant.
Coding change: c.2558A>T on transcript NM_001903.5 (MANE Select); coding-DNA position 2558, A replaced by T.
Protein change: p.Asn853Ile; replaces asparagine 853 with isoleucine.
Molecular consequence: missense variant. On other transcripts: 3 prime UTR variant (5).
Genome position (GRCh38, 1-based): chr5:138,933,926, A>T. VCF-style: chr5-138933926-A-T. GRCh37 (hg19) VCF-style: chr5-138269615-A-T.
Other names: c.*103A>T (NM_001290307.3, NM_001324002.1, NM_001324003.1 and 2 more transcripts); c.2249A>T, p.Asn750Ile (NM_001290309.3); c.2189A>T, p.Asn730Ile (NM_001290310.3); c.1448A>T, p.Asn483Ile (NM_001290312.1, NM_001323987.1, NM_001323988.1 and 12 more transcripts); c.2558A>T, p.Asn853Ile (NM_001323982.2, NM_001323983.1, NM_001323984.2); c.2531A>T, p.Asn844Ile (NM_001323985.2); c.2465A>T, p.Asn822Ile (NM_001323986.2); c.1313A>T, p.Asn438Ile (NM_001324001.1); and 3 more; short protein forms N452I, N730I, N844I, N370I, N853I, N402I, N438I, N483I.
Identifiers: ClinVar variation 658422 (VCV000658422.13), dbSNP rs199994641, ClinGen allele CA3432267.